The following is an entry in ClinVar:

NM_005560.6(LAMA5):c.5124C>T (p.Tyr1708=)

Gene: LAMA5 (laminin subunit alpha 5; minus strand). Cytogenetic location: 20q13.33.
Variant type: single nucleotide variant.
Coding change: c.5124C>T on transcript NM_005560.6 (MANE Select); coding-DNA position 5124, C replaced by T.
Protein change: p.Tyr1708=; no amino-acid change (tyrosine 1708 retained).
Molecular consequence: synonymous variant.
Genome position (GRCh38, 1-based): chr20:62,326,955, G>A on the plus strand (C>T on the coding strand, the complement: LAMA5 is on the minus strand). VCF-style: chr20-62326955-G-A. GRCh37 (hg19) VCF-style: chr20-60902011-G-A.
Identifiers: ClinVar variation 725534 (VCV000725534.34), dbSNP rs45540543, ClinGen allele CA9942320.
Genomic context (GRCh38, chr20:62,326,955, plus strand): 5'-GGGGACAAAGACATCTCCCCGCTGGGTCTCTGAGTGCAGTTCATAACGGAGGGTCCCACC[G>A]TAGGATGACACCTGGAGGCAGGACAGACAGAGGTGACCTGGCCAGACTCTGGCCACAGGC-3'
Protein context (NP_005551.3, residues 1698-1718): PSYLGDRVSS[Tyr1708=]GGTLRYELHS

ClinVar aggregate classification (germline): Benign. Review status: criteria provided, multiple submitters, no conflicts (2 of 4 stars). 3 submissions from 3 submitters: Benign (3). Last evaluated 2026-08-01.

Allele frequency attached by ClinVar (database versions not stated): 1000 Genomes Project 0.00180; 1000 Genomes Project 30x 0.00219; TOPMed 0.00291; gnomAD 0.00349 and 0.00365; gnomAD exomes 0.00452 and 0.00518; ESP Exome Variant Server 0.00477; ExAC 0.00508.
gnomAD v4.1: 7,973 of 1,606,532 alleles (0.5%); highest among the groups gnomAD compares: South Asian, 1.1%; 36 homozygotes.

Submissions (3):

CeGaT Center for Human Genetics Tuebingen
Classification: Benign. Last evaluated: 2026-08-01. Review status: criteria provided, single submitter. Criteria: CeGaT Center For Human Genetics Tuebingen Variant Classification Criteria Version 2. Collection method: clinical testing. Allele origin: germline. Affected: yes. Observed: 3 variant alleles.
Comment: LAMA5: BP4, BP7, BS1, BS2

Labcorp Genetics (formerly Invitae), Labcorp
Classification: Benign. Last evaluated: 2026-01-25. Review status: criteria provided, single submitter. Criteria: Invitae Variant Classification Sherloc (09022015). Collection method: clinical testing. Allele origin: germline.

Breakthrough Genomics
Classification: Benign. Review status: criteria provided, single submitter. Criteria: ACMG Guidelines, 2015. Collection method: not provided. Allele origin: germline. Inheritance: Autosomal recessive inheritance. Affected: yes.